The following is an entry in ClinVar:

NM_001365951.3(KIF1B):c.5121C>A (p.Tyr1707Ter)

Gene: KIF1B (kinesin family member 1B; plus strand). Cytogenetic location: 1p36.22.
Variant type: single nucleotide variant.
Coding change: c.5121C>A on transcript NM_001365951.3 (MANE Select); coding-DNA position 5121, C replaced by A.
Protein change: p.Tyr1707Ter; replaces tyrosine 1707 with a stop codon.
Molecular consequence: nonsense.
Genome position (GRCh38, 1-based): chr1:10,374,878, C>A. VCF-style: chr1-10374878-C-A. GRCh37 (hg19) VCF-style: chr1-10434936-C-A.
Other names: c.5121C>A, p.Tyr1707Ter (NM_001365952.1); c.4983C>A, p.Tyr1661Ter (NM_015074.3); short protein forms Y1707*, Y1661*.
Identifiers: ClinVar variation 1744541 (VCV001744541.2), dbSNP rs2521982259, ClinGen allele CA338330274.

ClinVar aggregate classification (germline): Uncertain significance (1 of 4 stars; one submission).

Submission:

Ambry Genetics
Classification: Uncertain significance. Last evaluated: 2021-05-26. Review status: criteria provided, single submitter. Criteria: Ambry Variant Classification Scheme 2023. Collection method: clinical testing. Allele origin: germline.
Comment: The p.Y1661* variant (also known as c.4983C>A), located in coding exon 44 of the KIF1B gene, results from a C to A substitution at nucleotide position 4983. This changes the amino acid from a tyrosine to a stop codon within coding exon 44. This alteration is expected to result in premature protein truncation or nonsense-mediated mRNA decay. However, the gene-disease association for KIF1B is limited. Since supporting evidence is limited at this time, the clinical significance of this alteration remains unclear.